The following is an entry in ClinVar:

ClinVar aggregate classification (germline): Conflicting classifications of pathogenicity. Review status: criteria provided, conflicting classifications (1 of 4 stars). 3 submissions from 3 submitters: Likely pathogenic (1); Uncertain significance (1); Likely benign (1). Last evaluated 2024-05-14.

Conditions:
Marfan syndrome (MFS). Also called: Marfan syndrome, classic; Marfan syndrome type 1; Marfan's syndrome; MARFAN SYNDROME, TYPE I; FBN1-Related Marfan Syndrome. Identifiers: Orphanet 284963, Orphanet 558, MedGen C0024796, MONDO:0007947, OMIM 154700.
Familial thoracic aortic aneurysm and aortic dissection (TAAD). Also called: Thoracic aortic aneurysms and dissections. Identifiers: Orphanet 91387, MedGen C4707243, MONDO:0019625.

Allele frequency attached by ClinVar (database versions not stated): gnomAD exomes 0.00001 and 0.00002; TOPMed below 0.00001; ExAC 0.00002.
gnomAD v4.1: 16 of 1,614,114 alleles (0.00099%); highest among the groups gnomAD compares: South Asian, 0.0044%; no homozygotes.

Submissions (3):

All of Us Research Program, National Institutes of Health
Classification: Uncertain significance for Marfan syndrome. Last evaluated: 2024-05-14. Review status: criteria provided, single submitter. Criteria: ACMG Guidelines, 2015. Collection method: clinical testing. Allele origin: germline. Inheritance: Autosomal dominant inheritance. Observed: 2 variant alleles, 2 heterozygotes.
Comment: This missense variant replaces arginine with glutamine at codon 1125 of the FBN1 protein. Computational prediction is inconclusive regarding the impact of this variant on protein structure and function (internally defined REVEL score threshold 0.5 < inconclusive < 0.7, PMID: 27666373). To our knowledge, functional studies have not been reported for this variant. This variant has not been reported in individuals affected with cardiovascular disorders in the literature. This variant has been identified in 5/251458 chromosomes in the general population by the Genome Aggregation Database (gnomAD). The available evidence is insufficient to determine the role of this variant in disease conclusively. Therefore, this variant is classified as a Variant of Uncertain Significance.

This study involves interpretation of variants in research participants for the purpose of population health screening. Participant phenotype was not available at the time of variant classification. Additional details can be found in publication PMID: 35346344, PMCID: PMC8962531

Labcorp Genetics (formerly Invitae), Labcorp
Classification: Likely benign for Marfan syndrome; Familial thoracic aortic aneurysm and aortic dissection. Last evaluated: 2023-05-22. Review status: criteria provided, single submitter. Criteria: Invitae Variant Classification Sherloc (09022015). Collection method: clinical testing. Allele origin: germline.

GeneDx
Classification: Likely pathogenic. Last evaluated: 2015-01-07. Review status: criteria provided, single submitter. Criteria: GeneDx Variant Classification (06012015). Collection method: clinical testing. Allele origin: germline. Affected: yes.
Comment: A novel R1125Q variant that is likely pathogenic was identified in the FBN1 gene. It has not been published as a pathogenic variant, nor has it been reported as a benign polymorphism to our knowledge. The R1125Q variant was not observed in approximately 6,500 individuals of European and African American ancestry in an external variant database, indicating it is not a common benign variant in these populations. The R1125Q variant is a semi-conservative amino acid substitution, which may impact secondary protein structure as these residues differ in some properties. This substitution occurs in the ECF-like 17 calcium binding domain at a position that is conserved across species. In silico analysis predicts this variant is probably damaging to the protein structure/function. Furthermore, missense variants in nearby residues (D1115G, C1117Y, C1124F, G1127S, V1128I, C1129Y) have been reported in the Human Gene Mutation Database in association with Marfan syndrome, aortic aneurysm and mitral valve prolapse (Stenson et al., 2014), supporting the functional importance of this region of the protein. Therefore, this variant is a strong candidate for a pathogenic variant, however the possibility that it is a benign variant cannot be excluded.

NM_000138.5(FBN1):c.3374G>A (p.Arg1125Gln)

Gene: FBN1 (fibrillin 1; minus strand). Cytogenetic location: 15q21.1.
Variant type: single nucleotide variant.
Coding change: c.3374G>A on transcript NM_000138.5 (MANE Select); coding-DNA position 3374, G replaced by A.
Protein change: p.Arg1125Gln; replaces arginine 1125 with glutamine.
Molecular consequence: missense variant.
Genome position (GRCh38, 1-based): chr15:48,487,401, C>T on the plus strand (G>A on the coding strand, the complement: FBN1 is on the minus strand). VCF-style: chr15-48487401-C-T. GRCh37 (hg19) VCF-style: chr15-48779598-C-T.
Other names: short protein forms R1125Q.
Identifiers: ClinVar variation 418195 (VCV000418195.8), dbSNP rs768831064, ClinGen allele CA050461.
Genomic context (GRCh38, chr15:48,487,401, plus strand): 5'-TGATGGCCAGGCGGGCATTCACAGCGGTAACTTCCCTCTGTGTTATGGCAAACACCACCT[C>T]GGCATAGGAGAGGATCTCTCTGACACTCATCAATATCTGCAAAATGGAAATGACCATGTT-3'
Protein context (NP_000129.3, residues 1115-1135): DECQRDPLLC[Arg1125Gln]GGVCHNTEGS